The following is an entry in ClinVar:

NM_003482.4(KMT2D):c.10909C>T (p.Pro3637Ser)

Gene: KMT2D (lysine methyltransferase 2D; minus strand). Cytogenetic location: 12q13.12.
Variant type: single nucleotide variant.
Coding change: c.10909C>T on transcript NM_003482.4 (MANE Select); coding-DNA position 10909, C replaced by T.
Protein change: p.Pro3637Ser; replaces proline 3637 with serine.
Molecular consequence: missense variant.
Genome position (GRCh38, 1-based): chr12:49,033,796, G>A on the plus strand (C>T on the coding strand, the complement: KMT2D is on the minus strand). VCF-style: chr12-49033796-G-A. GRCh37 (hg19) VCF-style: chr12-49427579-G-A.
Other names: short protein forms P3637S.
Identifiers: ClinVar variation 988160 (VCV000988160.1), dbSNP rs775182190, ClinGen allele CA384725030.

ClinVar aggregate classification (germline): Uncertain significance (0 of 4 stars; one submission).

Conditions:
Congenital anomaly of kidney and urinary tract. Also called: Congenital anomalies of kidney and urinary tract; Congenital anomalies of the kidney and urinary tract. Identifiers: Orphanet 93545, MedGen C1968949, MeSH C566906, MONDO:0019719.

Submission:

Sydney Genome Diagnostics, Children's Hospital Westmead
Classification: Uncertain significance for Congenital anomaly of kidney and urinary tract. Last evaluated: 2019-01-10. Review status: no assertion criteria provided. Collection method: clinical testing. Allele origin: unknown. Affected: yes. Observed: 1 variant allele, 1 heterozygote.
Comment: This variant has not been reported in any population databases (i.e. gnomAD, ExAC, ESP or dbSNP). To our knowledge, c.10909C>T p.(Pro3637Ser) has not been previously reported in the literature or any disease specific databases. In silico analysis of pathogenicity (through Alamut Visual v2.8.1) is inconclusive regarding this change; PolyPhen2 predicts this variant to be benign whereas SIFT & MutationTaster predict that this variant is likely to be pathogenic. This variant is considered to be a variant of uncertain clinical significance (VOUS) according to the ACMG guidelines (evidence used: PM2).